The following is an entry in ClinVar:

NM_173849.3(GSC):c.575_576delinsCC (p.Gln192Pro)

Gene: GSC (goosecoid homeobox; minus strand). Cytogenetic location: 14q32.13.
Variant type: Indel.
Coding change: c.575_576delinsCC on transcript NM_173849.3 (MANE Select); coding-DNA positions 575 to 576, AG replaced by CC.
Protein change: p.Gln192Pro; replaces glutamine 192 with proline.
Molecular consequence: missense variant.
Genome position (GRCh38, 1-based): chr14:94,768,997-94,768,998, CT replaced by GG on the plus strand (AG replaced by CC on the coding strand, the reverse complement: GSC is on the minus strand). VCF-style: chr14-94768997-CT-GG. GRCh37 (hg19) VCF-style: chr14-95235334-CT-GG.
Other names: short protein forms Q192P.
Identifiers: ClinVar variation 1392611 (VCV001392611.6), dbSNP rs2139703081, ClinGen allele CA2573150459.

ClinVar aggregate classification (germline): Uncertain significance (1 of 4 stars; one submission).

Submission:

Labcorp Genetics (formerly Invitae), Labcorp
Classification: Uncertain significance. Last evaluated: 2022-11-28. Review status: criteria provided, single submitter. Criteria: Invitae Variant Classification Sherloc (09022015). Collection method: clinical testing. Allele origin: germline.
Comment: This sequence change replaces glutamine, which is neutral and polar, with proline, which is neutral and non-polar, at codon 192 of the GSC protein (p.Gln192Pro). Information on the frequency of this variant in the gnomAD database is not available, as this variant may be reported differently in the database. This variant has not been reported in the literature in individuals affected with GSC-related conditions. ClinVar contains an entry for this variant (Variation ID: 1392611). Algorithms developed to predict the effect of missense changes on protein structure and function are either unavailable or do not agree on the potential impact of this missense change (SIFT: "Not Available"; PolyPhen-2: "Probably Damaging"; Align-GVGD: "Not Available"). In summary, the available evidence is currently insufficient to determine the role of this variant in disease. Therefore, it has been classified as a Variant of Uncertain Significance.